The following is an entry in ClinVar:

ClinVar aggregate classification (germline): Uncertain significance. Review status: criteria provided, multiple submitters, no conflicts (2 of 4 stars). 2 submissions from 2 submitters: Uncertain significance (2). Last evaluated 2023-10-17.

Allele frequency attached by ClinVar (database versions not stated): gnomAD exomes 0.00001; ExAC 0.00003; ESP Exome Variant Server 0.00008; gnomAD 0.00012; 1000 Genomes Project 30x 0.00016; TOPMed 0.00016; 1000 Genomes Project 0.00020.
gnomAD v4.1: 32 of 1,588,704 alleles (0.002%); highest among the groups gnomAD compares: African/African-American, 0.027%; no homozygotes.

Submissions (2):

Labcorp Genetics (formerly Invitae), Labcorp
Classification: Uncertain significance. Last evaluated: 2023-10-17. Review status: criteria provided, single submitter. Criteria: Invitae Variant Classification Sherloc (09022015). Collection method: clinical testing. Allele origin: germline.
Comment: This sequence change replaces alanine, which is neutral and non-polar, with threonine, which is neutral and polar, at codon 407 of the MTMR14 protein (p.Ala407Thr). The frequency data for this variant in the population databases is considered unreliable, as metrics indicate poor data quality at this position in the gnomAD database. This variant has not been reported in the literature in individuals affected with MTMR14-related conditions. ClinVar contains an entry for this variant (Variation ID: 2078188). Advanced modeling of protein sequence and biophysical properties (such as structural, functional, and spatial information, amino acid conservation, physicochemical variation, residue mobility, and thermodynamic stability) performed at Invitae indicates that this missense variant is not expected to disrupt MTMR14 protein function. In summary, the available evidence is currently insufficient to determine the role of this variant in disease. Therefore, it has been classified as a Variant of Uncertain Significance.

Ambry Genetics
Classification: Uncertain significance. Last evaluated: 2023-05-04. Review status: criteria provided, single submitter. Criteria: Ambry Variant Classification Scheme 2023. Collection method: clinical testing. Allele origin: germline.

NM_001077525.3(MTMR14):c.1219G>A (p.Ala407Thr)

Gene: MTMR14 (myotubularin related protein 14; plus strand). Cytogenetic location: 3p25.3.
Variant type: single nucleotide variant.
Coding change: c.1219G>A on transcript NM_001077525.3 (MANE Select); coding-DNA position 1219, G replaced by A.
Protein change: p.Ala407Thr; replaces alanine 407 with threonine.
Molecular consequence: missense variant. On other transcripts: non-coding transcript variant (9).
Genome position (GRCh38, 1-based): chr3:9,687,875, G>A. VCF-style: chr3-9687875-G-A. GRCh37 (hg19) VCF-style: chr3-9729559-G-A.
Other names: c.1144G>A, p.Ala382Thr (NM_001400520.1, NM_001400523.1, NM_001400528.1); c.1288G>A, p.Ala430Thr (NM_001400521.1, NM_001400518.1); c.1216G>A, p.Ala406Thr (NM_001400522.1, NM_001400519.1); c.973G>A, p.Ala325Thr (NM_001400524.1, NM_001400527.1, NM_001400530.1); c.937G>A, p.Ala313Thr (NM_001400525.1, NM_001400529.1, NM_001400532.1); c.1213G>A, p.Ala405Thr (NM_001400526.1); c.970G>A, p.Ala324Thr (NM_001400531.1); c.577G>A, p.Ala193Thr (NM_001400533.1, NM_001400534.1, NM_001400535.1 and 7 more transcripts); and 6 more; short protein forms A288T, A325T, A405T, A406T, A407T, A430T, A168T, A193T.
Identifiers: ClinVar variation 2078188 (VCV002078188.5), dbSNP rs372498357, ClinGen allele CA2240670.